The following is an entry in ClinVar:

NM_001267550.2(TTN):c.29099_29100del (p.Phe9700fs)

Gene: TTN (titin; minus strand). Cytogenetic location: 2q31.2.
Variant type: Deletion.
Coding change: c.29099_29100del on transcript NM_001267550.2 (MANE Select); coding-DNA positions 29099 to 29100, 2 bases deleted (TT; older notation c.29099_29100delTT).
Protein change: p.Phe9700fs; shifts the reading frame from phenylalanine 9700.
Molecular consequence: frameshift variant. On other transcripts: intron variant (3).
Genome position (GRCh38, 1-based): chr2:178,706,896-178,706,897, AA deleted on the plus strand (TT on the coding strand, the reverse complement: TTN is on the minus strand); deleting any 2 consecutive bases within chr2:178,706,896-178,706,901 gives the same sequence; the c. name uses the placement nearest the transcript's 3' end. VCF-style (leftmost placement, unchanged base first): chr2-178706895-CAA-C. GRCh37 (hg19) VCF-style: chr2-179571622-CAA-C.
Other names: c.28148_28149del, p.Phe9383fs (NM_001256850.1); c.25367_25368del, p.Phe8456fs (NM_133378.4); c.13282+31185_13282+31186del (NM_003319.4); c.13858+31185_13858+31186del (NM_133437.4); c.13657+31185_13657+31186del (NM_133432.3); short protein forms F9383fs, F9700fs, F8456fs.
Identifiers: ClinVar variation 1935026 (VCV001935026.5), dbSNP rs796065340, ClinGen allele CA2580065232.

ClinVar aggregate classification (germline): Likely pathogenic (1 of 4 stars; one submission).

Conditions:
Dilated cardiomyopathy 1G (CMD1G). Identifiers: Orphanet 154, MedGen C1858763, MONDO:0011400, OMIM 604145.
Autosomal recessive limb-girdle muscular dystrophy type 2J (LGMDR10). Also called: Limb-girdle muscular dystrophy, type 2J; MUSCULAR DYSTROPHY, LIMB-GIRDLE, AUTOSOMAL RECESSIVE 10. Identifiers: Orphanet 140922, MedGen C1837342, MONDO:0012127, OMIM 608807.

Submission:

Labcorp Genetics (formerly Invitae), Labcorp
Classification: Likely pathogenic for Dilated cardiomyopathy 1G; Autosomal recessive limb-girdle muscular dystrophy type 2J. Last evaluated: 2024-10-18. Review status: criteria provided, single submitter. Criteria: Invitae Variant Classification Sherloc (09022015). Collection method: clinical testing. Allele origin: germline.
Comment: This sequence change creates a premature translational stop signal (p.Phe9700Cysfs*24) in the TTN gene. While this is not anticipated to result in nonsense mediated decay, it is expected to create a truncated TTN protein. This variant is not present in population databases (gnomAD no frequency). This variant has not been reported in the literature in individuals affected with TTN-related conditions. ClinVar contains an entry for this variant (Variation ID: 1935026). This variant is located in the I band of TTN (PMID: 25589632). Truncating variants in this region have been reported in individuals affected with autosomal recessive centronuclear myopathy (PMID: 23975875, internal data). Truncating variants in this region have also been identified in individuals affected with autosomal dominant dilated cardiomyopathy and/or cardio-related conditions (PMID: 27869827, 32964742, internal data). In summary, the currently available evidence indicates that the variant is pathogenic, but additional data are needed to prove that conclusively. Therefore, this variant has been classified as Likely Pathogenic.

Literature cited by the submitters: PubMed 25589632; PubMed 23975875; PubMed 27869827; PubMed 32964742.